The following is an entry in ClinVar:

ClinVar aggregate classification (germline): Likely pathogenic (1 of 4 stars; one submission).

Conditions:
Dilated cardiomyopathy 1G (CMD1G). Identifiers: Orphanet 154, MedGen C1858763, MONDO:0011400, OMIM 604145.
Autosomal recessive limb-girdle muscular dystrophy type 2J (LGMDR10). Also called: MUSCULAR DYSTROPHY, LIMB-GIRDLE, AUTOSOMAL RECESSIVE 10; Limb-girdle muscular dystrophy, type 2J. Identifiers: Orphanet 140922, MedGen C1837342, MONDO:0012127, OMIM 608807.

Submission:

Labcorp Genetics (formerly Invitae), Labcorp
Classification: Likely pathogenic for Dilated cardiomyopathy 1G; Autosomal recessive limb-girdle muscular dystrophy type 2J. Last evaluated: 2024-08-08. Review status: criteria provided, single submitter. Criteria: Invitae Variant Classification Sherloc (09022015). Collection method: clinical testing. Allele origin: germline.
Comment: This sequence change creates a premature translational stop signal (p.Val29930Lysfs*37) in the TTN gene. While this is not anticipated to result in nonsense mediated decay, it is expected to create a truncated TTN protein. This variant is not present in population databases (gnomAD no frequency). This variant has not been reported in the literature in individuals affected with TTN-related conditions. This variant is located in the A band of TTN (PMID: 25589632). Truncating variants in this region are significantly overrepresented in patients affected with dilated cardiomyopathy (PMID: 25589632). Truncating variants in this region have also been reported in individuals affected with autosomal recessive centronuclear myopathy (PMID: 23975875). In summary, the currently available evidence indicates that the variant is pathogenic, but additional data are needed to prove that conclusively. Therefore, this variant has been classified as Likely Pathogenic.

Literature cited by the submitters: PubMed 25589632; PubMed 23975875.

NM_001267550.2(TTN):c.89786_89787dup (p.Val29930fs)

Genes: TTN (titin; minus strand), TTN-AS1 (TTN antisense RNA 1; plus strand). Cytogenetic location: 2q31.2.
Variant type: Duplication.
Coding change: c.89786_89787dup on transcript NM_001267550.2 (MANE Select); coding-DNA positions 89786 to 89787, 2 bases duplicated (AA; older notation c.89786_89787dupAA).
Protein change: p.Val29930fs; shifts the reading frame from valine 29930.
Molecular consequence: frameshift variant.
Genome position (GRCh38, 1-based): chr2:178,553,113-178,553,114, TT duplicated on the plus strand (AA on the coding strand, the reverse complement: TTN is on the minus strand); duplicating any 2 consecutive bases within chr2:178,553,113-178,553,115 gives the same sequence; the c. name uses the placement nearest the transcript's 3' end. VCF-style (leftmost placement, unchanged base first): chr2-178553112-C-CTT. GRCh37 (hg19) VCF-style: chr2-179417839-C-CTT.
Other names: c.84863_84864dup, p.Val28289fs (NM_001256850.1); c.62591_62592dup, p.Val20865fs (NM_003319.4); c.82082_82083dup, p.Val27362fs (NM_133378.4); c.62966_62967dup, p.Val20990fs (NM_133432.3); c.63167_63168dup, p.Val21057fs (NM_133437.4); short protein forms V27362fs, V20865fs, V28289fs, V20990fs, V21057fs, V29930fs.
Identifiers: ClinVar variation 2942607 (VCV002942607.3), dbSNP rs2469314469, ClinGen allele CA2740095994.